The following is an entry in ClinVar:

NM_022124.6(CDH23):c.9489G>A (p.Trp3163Ter)

Gene: CDH23 (cadherin related 23; plus strand). Cytogenetic location: 10q22.1.
Variant type: single nucleotide variant.
Coding change: c.9489G>A on transcript NM_022124.6 (MANE Select); coding-DNA position 9489, G replaced by A.
Protein change: p.Trp3163Ter; replaces tryptophan 3163 with a stop codon.
Molecular consequence: nonsense.
Genome position (GRCh38, 1-based): chr10:71,812,588, G>A. VCF-style: chr10-71812588-G-A. GRCh37 (hg19) VCF-style: chr10-73572345-G-A.
Other names: c.2769G>A, p.Trp923Ter (NM_001171933.1, NM_001171934.1); c.180G>A, p.Trp60Ter (NM_001171935.1, NM_001171936.1); short protein forms W923*, W60*, W3163*.
Identifiers: ClinVar variation 2136891 (VCV002136891.5), dbSNP rs1264452815, ClinGen allele CA377136874.

ClinVar aggregate classification (germline): Pathogenic. Review status: criteria provided, multiple submitters, no conflicts (2 of 4 stars). 2 submissions from 2 submitters: Pathogenic (2). Last evaluated 2025-03-17.

Conditions:
Pituitary adenoma 5, multiple types. Identifiers: MedGen C4539685, MONDO:0054601, OMIM 617540.

gnomAD v4.1: 2 of 1,613,964 alleles (0.00012%); highest among the groups gnomAD compares: Non-Finnish European, 0.00017%; no homozygotes.

Submissions (2):

Labcorp Genetics (formerly Invitae), Labcorp
Classification: Pathogenic. Last evaluated: 2025-03-17. Review status: criteria provided, single submitter. Criteria: Invitae Variant Classification Sherloc (09022015). Collection method: clinical testing. Allele origin: germline.
Comment: This sequence change creates a premature translational stop signal (p.Trp3163*) in the CDH23 gene. It is expected to result in an absent or disrupted protein product. Loss-of-function variants in CDH23 are known to be pathogenic (PMID: 11138009, 21940737). This variant is not present in population databases (gnomAD no frequency). This premature translational stop signal has been observed in individual(s) with CDH23-related conditions (PMID: 20613545). This variant is also known as c.9504G>A (p.W3168X). ClinVar contains an entry for this variant (Variation ID: 2136891). For these reasons, this variant has been classified as Pathogenic.

Baylor Genetics
Classification: Pathogenic for Pituitary adenoma 5, multiple types. Last evaluated: 2023-02-10. Review status: criteria provided, single submitter. Criteria: ACMG Guidelines, 2015. Collection method: clinical testing. Allele origin: unknown.

Literature cited by the submitters: PubMed 11138009 (cited by Labcorp Genetics (formerly Invitae), Labcorp); PubMed 21940737 (cited by Labcorp Genetics (formerly Invitae), Labcorp); PubMed 20613545 (cited by Labcorp Genetics (formerly Invitae), Labcorp).